The following is an entry in ClinVar:

NM_000126.4(ETFA):c.745C>T (p.Arg249Cys)

Gene: ETFA (electron transfer flavoprotein subunit alpha; minus strand). Cytogenetic location: 15q24.2.
Variant type: single nucleotide variant.
Coding change: c.745C>T on transcript NM_000126.4 (MANE Select); coding-DNA position 745, C replaced by T.
Protein change: p.Arg249Cys; replaces arginine 249 with cysteine.
Molecular consequence: missense variant.
Genome position (GRCh38, 1-based): chr15:76,274,483, G>A on the plus strand (C>T on the coding strand, the complement: ETFA is on the minus strand). VCF-style: chr15-76274483-G-A. GRCh37 (hg19) VCF-style: chr15-76566824-G-A.
Other names: c.598C>T, p.Arg200Cys (NM_001127716.2); c.745C>T (NM_000126.3); short protein forms R200C, R249C.
Identifiers: ClinVar variation 1444491 (VCV001444491.4), dbSNP rs1353938548, ClinGen allele CA393511092.

ClinVar aggregate classification (germline): Conflicting classifications of pathogenicity. Review status: criteria provided, conflicting classifications (1 of 4 stars). 2 submissions from 2 submitters: Likely pathogenic (1); Uncertain significance (1). Last evaluated 2025-05-16.

Conditions:
Glutaric acidemia type 2A.
Multiple acyl-CoA dehydrogenase deficiency (MADD). Also called: ETHYLMALONIC-ADIPICACIDURIA; GA II; Glutaric acidemia type II; GA 2; Glutaric Acidemia type 2; Glutaric aciduria, type 2. Identifiers: Orphanet 26791, MedGen C0268596, MONDO:0009282, OMIM 231680.

Allele frequency attached by ClinVar (database versions not stated): gnomAD exomes 0.00001.
gnomAD v4.1: 9 of 1,606,296 alleles (0.00056%); highest among the groups gnomAD compares: Non-Finnish European, 0.00068%; no homozygotes.

Submissions (2):

Natera, Inc.
Classification: Likely pathogenic for Glutaric acidemia type 2A. Last evaluated: 2025-05-16. Review status: criteria provided, single submitter. Criteria: Natera Variant Classification Schema (03/2026). Collection method: clinical testing. Allele origin: germline.
Comment: The c.745C>T variant in ETFA is a missense variant predicted to cause substitution of arginine to cysteine at amino acid 249. This variant is rare in the general population with a frequency below the threshold expected for the associated phenotype(s). This variant has been observed in one or more individuals affected with the associated recessive disease, as either homozygous or compound heterozygous with a second variant (PMID: 16510302). Functional studies show that this variant may disrupt protein function (PMID: 16510302). Computational prediction algorithms indicate this variant is likely to affect gene or protein function. Given the available evidence, this variant is classified as Likely Pathogenic.

Labcorp Genetics (formerly Invitae), Labcorp
Classification: Uncertain significance for Multiple acyl-CoA dehydrogenase deficiency. Last evaluated: 2021-12-02. Review status: criteria provided, single submitter. Criteria: Invitae Variant Classification Sherloc (09022015). Collection method: clinical testing. Allele origin: germline.
Comment: This sequence change replaces arginine, which is basic and polar, with cysteine, which is neutral and slightly polar, at codon 249 of the ETFA protein (p.Arg249Cys). This variant is not present in population databases (gnomAD no frequency). This missense change has been observed in individual(s) with multiple acyl-CoA dehydrogenase (MAD) deficiency (PMID: 16510302). Algorithms developed to predict the effect of missense changes on protein structure and function (SIFT, PolyPhen-2, Align-GVGD) all suggest that this variant is likely to be disruptive. In summary, the available evidence is currently insufficient to determine the role of this variant in disease. Therefore, it has been classified as a Variant of Uncertain Significance.

Literature cited by the submitters: PubMed 16510302 (cited by Natera, Inc. and Labcorp Genetics (formerly Invitae), Labcorp).